The following is an entry in ClinVar:

NM_032119.4(ADGRV1):c.8651T>C (p.Val2884Ala)

Gene: ADGRV1 (adhesion G protein-coupled receptor V1; plus strand). Cytogenetic location: 5q14.3.
Variant type: single nucleotide variant.
Coding change: c.8651T>C on transcript NM_032119.4 (MANE Select); coding-DNA position 8651, T replaced by C.
Protein change: p.Val2884Ala; replaces valine 2884 with alanine.
Molecular consequence: missense variant. On other transcripts: non-coding transcript variant (1).
Genome position (GRCh38, 1-based): chr5:90,706,315, T>C. VCF-style: chr5-90706315-T-C. GRCh37 (hg19) VCF-style: chr5-90002132-T-C.
Other names: short protein forms V2884A.
Identifiers: ClinVar variation 46395 (VCV000046395.21), dbSNP rs111033517, ClinGen allele CA138253.

ClinVar aggregate classification (germline): Conflicting classifications of pathogenicity. Review status: criteria provided, conflicting classifications (1 of 4 stars). 8 submissions from 8 submitters: Uncertain significance (6); Likely benign (2). Last evaluated 2026-06-18.

Conditions:
ADGRV1-related disorder. Also called: ADGRV1-related disorders; ADGRV1-related condition.
Usher syndrome type 2C. Also called: Usher syndrome, type 2B; USHER SYNDROME, TYPE IIC. Identifiers: Orphanet 231178, Orphanet 886, MedGen C2931213, MONDO:0011558, OMIM 605472.

Allele frequency attached by ClinVar (database versions not stated): ExAC 0.00008; gnomAD 0.00011; gnomAD exomes 0.00006; TOPMed 0.00014; ESP Exome Variant Server 0.00017.
gnomAD v4.1: 211 of 1,613,334 alleles (0.013%); highest among the groups gnomAD compares: Middle Eastern, 0.016%; no homozygotes.

Submissions (8):

PreventionGenetics, part of Exact Sciences
Classification: Uncertain significance for ADGRV1-related condition. Last evaluated: 2026-06-18. Review status: criteria provided, single submitter. Criteria: ACMG Guidelines, 2015. Collection method: clinical testing. Allele origin: germline.
Comment: The ADGRV1 c.8651T>C variant is predicted to result in the amino acid substitution p.Val2884Ala. This variant was reported in patient with Usher syndrome and no second variant (Table S3, Sloan-Heggen et al. 2016. PubMed ID: 26969326). This variant is reported in 0.017% of alleles in individuals of African descent in gnomAD. At this time, the clinical significance of this variant is uncertain due to the absence of conclusive functional and genetic evidence.

Labcorp Genetics (formerly Invitae), Labcorp
Classification: Likely benign. Last evaluated: 2026-01-06. Review status: criteria provided, single submitter. Criteria: Invitae Variant Classification Sherloc (09022015). Collection method: clinical testing. Allele origin: germline.

GeneDx
Classification: Uncertain significance. Last evaluated: 2024-12-18. Review status: criteria provided, single submitter. Criteria: GeneDx Variant Classification Process June 2021. Collection method: clinical testing. Allele origin: germline. Affected: yes.
Comment: Identified in a patient with Usher syndrome who also harbored a variant of uncertain significance (phase unknown) in the ADGRV1 gene, in published literature (PMID: 26969326); In silico analysis indicates that this missense variant does not alter protein structure/function; This variant is associated with the following publications: (PMID: 26969326)

Blueprint Genetics
Classification: Uncertain significance. Last evaluated: 2024-09-13. Review status: criteria provided, single submitter. Criteria: ACMG Guidelines, 2015. Collection method: clinical testing. Allele origin: germline.

Women's Health and Genetics/Laboratory Corporation of America, LabCorp
Classification: Uncertain significance. Last evaluated: 2021-07-19. Review status: criteria provided, single submitter. Criteria: LabCorp Variant Classification Summary - May 2015. Collection method: clinical testing. Allele origin: germline.
Comment: Variant summary: ADGRV1 c.8651T>C (p.Val2884Ala) results in a non-conservative amino acid change located in the Na-Ca exchanger/integrin-beta4 domain (IPR003644) of the encoded protein sequence. Three of five in-silico tools predict a benign effect of the variant on protein function. The variant allele was found at a frequency of 6e-05 in 248472 control chromosomes (gnomAD). This frequency is not significantly higher than expected for a pathogenic variant in ADGRV1 causing Usher Syndrome (6e-05 vs 0.0054), allowing no conclusion about variant significance. c.8651T>C has been reported in the literature in at least one individual with a clinical diagnosis of Usher syndrome (Sloan-Heggen_2016). The data does not allow any conclusion about variant significance. To our knowledge, no experimental evidence demonstrating an impact on protein function has been reported. Two ClinVar submitters (evaluation after 2014) cite the variant as uncertain significance. Based on the evidence outlined above, the variant was classified as uncertain significance.

Illumina Laboratory Services, Illumina
Classification: Uncertain significance for Usher syndrome type 2C. Last evaluated: 2018-01-13. Review status: criteria provided, single submitter. Criteria: ICSL Variant Classification Criteria 13 December 2019. Collection method: clinical testing. Allele origin: germline.

Genomic Diagnostic Laboratory, Division of Genomic Diagnostics, Children's Hospital of Philadelphia
Classification: Uncertain significance. Last evaluated: 2015-08-10. Review status: criteria provided, single submitter. Criteria: DGD Variant Analysis Guidelines. Collection method: clinical testing. Allele origin: unknown.

Laboratory for Molecular Medicine, Mass General Brigham Personalized Medicine
Classification: Likely benign. Last evaluated: 2010-02-03. Review status: criteria provided, single submitter. Criteria: LMM Criteria. Collection method: clinical testing. Allele origin: germline. Observed: 1 variant allele.

Literature cited by the submitters: PubMed 26969326 (cited by Women's Health and Genetics/Laboratory Corporation of America, LabCorp).